The following is an entry in ClinVar:

ClinVar aggregate classification (germline): Uncertain significance (1 of 4 stars; one submission).

Submission:

Labcorp Genetics (formerly Invitae), Labcorp
Classification: Uncertain significance. Last evaluated: 2024-08-23. Review status: criteria provided, single submitter. Criteria: Invitae Variant Classification Sherloc (09022015). Collection method: clinical testing. Allele origin: germline.
Comment: This sequence change replaces arginine, which is basic and polar, with serine, which is neutral and polar, at codon 856 of the IL12RB2 protein (p.Arg856Ser). This variant is not present in population databases (gnomAD no frequency). This variant has not been reported in the literature in individuals affected with IL12RB2-related conditions. An algorithm developed to predict the effect of missense changes on protein structure and function (PolyPhen-2) suggests that this variant is likely to be tolerated. In summary, the available evidence is currently insufficient to determine the role of this variant in disease. Therefore, it has been classified as a Variant of Uncertain Significance.

NM_001374259.2(IL12RB2):c.2568G>T (p.Arg856Ser)

Gene: IL12RB2 (interleukin 12 receptor subunit beta 2; plus strand). Cytogenetic location: 1p31.3.
Variant type: single nucleotide variant.
Coding change: c.2568G>T on transcript NM_001374259.2 (MANE Select); coding-DNA position 2568, G replaced by T.
Protein change: p.Arg856Ser; replaces arginine 856 with serine.
Molecular consequence: missense variant. On other transcripts: 3 prime UTR variant (3), non-coding transcript variant (2).
Genome position (GRCh38, 1-based): chr1:67,396,068, G>T. VCF-style: chr1-67396068-G-T. GRCh37 (hg19) VCF-style: chr1-67861751-G-T.
Other names: c.*488G>T (NM_001258214.1, NM_001319233.1); c.2310G>T, p.Arg770Ser (NM_001258215.1); c.*469G>T (NM_001258216.1); c.2568G>T, p.Arg856Ser (NM_001559.3); short protein forms R770S, R856S.
Identifiers: ClinVar variation 3699132 (VCV003699132.2).